The following is an entry in ClinVar:

NM_020223.4(FAM20C):c.23G>A (p.Arg8Gln)

Gene: FAM20C (FAM20C golgi associated secretory pathway kinase; plus strand). Cytogenetic location: 7p22.3.
Variant type: single nucleotide variant.
Coding change: c.23G>A on transcript NM_020223.4 (MANE Select); coding-DNA position 23, G replaced by A.
Protein change: p.Arg8Gln; replaces arginine 8 with glutamine.
Molecular consequence: missense variant.
Genome position (GRCh38, 1-based): chr7:193,222, G>A. VCF-style: chr7-193222-G-A. GRCh37 (hg19) VCF-style: chr7-193222-G-A.
Other names: c.23G>A (NM_020223.2); short protein forms R8Q.
Identifiers: ClinVar variation 724470 (VCV000724470.13), dbSNP rs73251052, ClinGen allele CA4108883.

ClinVar aggregate classification (germline): Likely benign. Review status: criteria provided, multiple submitters, no conflicts (2 of 4 stars). 3 submissions from 3 submitters: Likely benign (3). Last evaluated 2025-11-10.

Conditions:
FAM20C-related disorder. Also called: FAM20C-related condition.
Inborn genetic diseases. Identifiers: MedGen C0950123, MeSH D030342.

Allele frequency attached by ClinVar (database versions not stated): gnomAD exomes 0.00011 and 0.00019; ExAC 0.00072; 1000 Genomes Project 0.00120; gnomAD 0.00146; TOPMed 0.00152; 1000 Genomes Project 30x 0.00156; ESP Exome Variant Server 0.00175.
gnomAD v4.1: 349 of 1,462,028 alleles (0.024%); highest among the groups gnomAD compares: African/African-American, 0.47%; 2 homozygotes.

Submissions (3):

Labcorp Genetics (formerly Invitae), Labcorp
Classification: Likely benign. Last evaluated: 2025-11-10. Review status: criteria provided, single submitter. Criteria: Invitae Variant Classification Sherloc (09022015). Collection method: clinical testing. Allele origin: germline.

PreventionGenetics, part of Exact Sciences
Classification: Likely benign for FAM20C-related condition. Last evaluated: 2025-07-10. Review status: criteria provided, single submitter. Criteria: ACMG Guidelines, 2015. Collection method: clinical testing. Allele origin: germline.
Comment: This variant is classified as likely benign based on ACMG/AMP sequence variant interpretation guidelines (Richards et al. 2015 PMID: 25741868, with internal and published modifications).

Ambry Genetics
Classification: Likely benign for Inborn genetic diseases. Last evaluated: 2025-06-11. Review status: criteria provided, single submitter. Criteria: Ambry Variant Classification Scheme 2023. Collection method: clinical testing. Allele origin: germline.